The following is an entry in ClinVar:

NM_001322934.2(NFKB2):c.1936G>A (p.Glu646Lys)

Gene: NFKB2 (nuclear factor kappa B subunit 2; plus strand). Cytogenetic location: 10q24.32.
Variant type: single nucleotide variant.
Coding change: c.1936G>A on transcript NM_001322934.2 (MANE Select); coding-DNA position 1936, G replaced by A.
Protein change: p.Glu646Lys; replaces glutamic acid 646 with lysine.
Molecular consequence: missense variant.
Genome position (GRCh38, 1-based): chr10:102,400,792, G>A. VCF-style: chr10-102400792-G-A. GRCh37 (hg19) VCF-style: chr10-104160549-G-A.
Other names: c.1936G>A, p.Glu646Lys (NM_001077493.1, NM_001077494.3, NM_001261403.3 and 2 more transcripts); c.1810G>A, p.Glu604Lys (NM_001322935.1); short protein forms E604K, E646K.
Identifiers: ClinVar variation 1718307 (VCV001718307.5), dbSNP rs2544598034, ClinGen allele CA377903206.
Genomic context (GRCh38, chr10:102,400,792, plus strand): 5'-GTGGAGGCCACAGAGCGGCAGGGGGGACGAACAGCCTTGCATCTAGCCACAGAGATGGAG[G>A]AGCTGGGGTTGGTCACCCATCTGGTCACCAAGGTGGGACTGAGGATTGTGGAAGGAGTGG-3'
Protein context (NP_001309863.1, residues 636-656): TALHLATEME[Glu646Lys]LGLVTHLVTK

ClinVar aggregate classification (germline): Uncertain significance (1 of 4 stars; one submission).

Conditions:
Immunodeficiency, common variable, 10. Also called: IMMUNODEFICIENCY, COMMON VARIABLE, WITH CENTRAL ADRENAL INSUFFICIENCY; DEFICIT IN ANTERIOR PITUITARY FUNCTION AND VARIABLE IMMUNODEFICIENCY. Identifiers: MedGen C3809991, MONDO:0014260, OMIM 615577.

Submission:

Labcorp Genetics (formerly Invitae), Labcorp
Classification: Uncertain significance for Immunodeficiency, common variable, 10. Last evaluated: 2022-08-29. Review status: criteria provided, single submitter. Criteria: Invitae Variant Classification Sherloc (09022015). Collection method: clinical testing. Allele origin: germline.
Comment: This sequence change replaces glutamic acid, which is acidic and polar, with lysine, which is basic and polar, at codon 646 of the NFKB2 protein (p.Glu646Lys). This variant is not present in population databases (gnomAD no frequency). This variant has not been reported in the literature in individuals affected with NFKB2-related conditions. Algorithms developed to predict the effect of missense changes on protein structure and function (SIFT, PolyPhen-2, Align-GVGD) all suggest that this variant is likely to be tolerated. In summary, the available evidence is currently insufficient to determine the role of this variant in disease. Therefore, it has been classified as a Variant of Uncertain Significance.